The following is an entry in ClinVar:

ClinVar aggregate classification (germline): Pathogenic (1 of 4 stars; one submission).

Submission:

Labcorp Genetics (formerly Invitae), Labcorp
Classification: Pathogenic. Last evaluated: 2022-07-12. Review status: criteria provided, single submitter. Criteria: Invitae Variant Classification Sherloc (09022015). Collection method: clinical testing. Allele origin: germline.
Comment: For these reasons, this variant has been classified as Pathogenic. This variant has not been reported in the literature in individuals affected with LRPPRC-related conditions. This variant is not present in population databases (gnomAD no frequency). This sequence change creates a premature translational stop signal (p.Thr822Glnfs*21) in the LRPPRC gene. It is expected to result in an absent or disrupted protein product. Loss-of-function variants in LRPPRC are known to be pathogenic (PMID: 26510951).

Literature cited by the submitters: PubMed 26510951.

NM_133259.4(LRPPRC):c.2464_2465del (p.Thr822fs)

Gene: LRPPRC (leucine rich pentatricopeptide repeat containing; minus strand). Cytogenetic location: 2p21.
Variant type: Deletion.
Coding change: c.2464_2465del on transcript NM_133259.4 (MANE Select); coding-DNA positions 2464 to 2465, 2 bases deleted (AC; older notation c.2464_2465delAC).
Protein change: p.Thr822fs; shifts the reading frame from threonine 822.
Molecular consequence: frameshift variant.
Genome position (GRCh38, 1-based): chr2:43,943,726-43,943,727, GT deleted on the plus strand (AC on the coding strand, the reverse complement: LRPPRC is on the minus strand); deleting any 2 consecutive bases within chr2:43,943,726-43,943,728 gives the same sequence; the c. name uses the placement nearest the transcript's 3' end. VCF-style (leftmost placement, unchanged base first): chr2-43943725-GGT-G. GRCh37 (hg19) VCF-style: chr2-44170864-GGT-G.
Other names: short protein forms T822fs.
Identifiers: ClinVar variation 2040293 (VCV002040293.4), dbSNP rs2466555199, ClinGen allele CA2580066492.